The following is an entry in ClinVar:

NM_002240.5(KCNJ6):c.76G>T (p.Ala26Ser)

Genes: KCNJ6 (potassium inwardly rectifying channel subfamily J member 6; minus strand), KCNJ6-AS1 (KCNJ6 antisense RNA 1; plus strand). Cytogenetic location: 21q22.13.
Variant type: single nucleotide variant.
Coding change: c.76G>T on transcript NM_002240.5 (MANE Select); coding-DNA position 76, G replaced by T.
Protein change: p.Ala26Ser; replaces alanine 26 with serine.
Molecular consequence: missense variant.
Genome position (GRCh38, 1-based): chr21:37,715,081, C>A on the plus strand (G>T on the coding strand, the complement: KCNJ6 is on the minus strand). VCF-style: chr21-37715081-C-A. GRCh37 (hg19) VCF-style: chr21-39087384-C-A.
Other names: short protein forms A26S.
Identifiers: ClinVar variation 424149 (VCV000424149.2), dbSNP rs1064796826, ClinGen allele CA16621009.
Genomic context (GRCh38, chr21:37,715,081, plus strand): 5'-GGCTGATGTGTCTTGGCAGGTCATCCCTGGCCTGCTTAGGCAACTTTGGCTGGTGAATGG[C>A]CACTGGGCTTTCGACGTCCTGATCCATGGAGTCGCCCTCCAGGACGTTAGCTGGTGGTTT-3'
Protein context (NP_002231.1, residues 16-36): SMDQDVESPV[Ala26Ser]IHQPKLPKQA

ClinVar aggregate classification (germline): Uncertain significance (1 of 4 stars; one submission).

Allele frequency attached by ClinVar (database versions not stated): gnomAD 0.00001 and 0.00003.
gnomAD v4.1: 1 of 1,614,058 alleles (0.000062%); highest among the groups gnomAD compares: African/African-American, 0.0013%; no homozygotes.

Submission:

GeneDx
Classification: Uncertain significance. Last evaluated: 2017-03-13. Review status: criteria provided, single submitter. Criteria: GeneDx Variant Classification (06012015). Collection method: clinical testing. Allele origin: germline. Affected: yes.
Comment: The A26S variant in the KCNJ6 gene has not been reported previously as a pathogenic variant, nor as a benign variant, to our knowledge. The A26S variant is not observed in large population cohorts (Lek et al., 2016; 1000 Genomes Consortium et al., 2015; Exome Variant Server). The A26S variant is a non-conservative amino acid substitution, which is likely to impact secondary protein structure as these residues differ in polarity, charge, size and/or other properties. This substitution occurs at a position that is not conserved. In silico analysis is inconsistent in its predictions as to whether or not the variant is damaging to the protein structure/function. We interpret A26S as a variant of uncertain significance.